The following is an entry in ClinVar:

ClinVar aggregate classification (germline): Conflicting classifications of pathogenicity. Review status: criteria provided, conflicting classifications (1 of 4 stars). 2 submissions from 2 submitters: Uncertain significance (1); Likely benign (1). Last evaluated 2025-05-25.

Submissions (3):

Ambry Genetics
Classification: Likely benign. Last evaluated: 2025-05-25. Review status: criteria provided, single submitter. Criteria: Ambry Variant Classification Scheme 2023. Collection method: clinical testing. Allele origin: germline.

GeneDx
Classification: Uncertain significance. Last evaluated: 2022-12-30. Review status: criteria provided, single submitter. Criteria: GeneDx Variant Classification Process June 2021. Collection method: clinical testing. Allele origin: germline. Affected: yes.
Comment: Not observed at significant frequency in large population cohorts (gnomAD); In silico analysis is inconclusive as to whether the variant alters gene splicing. In the absence of RNA/functional studies, the actual effect of this sequence change is unknown.; Has not been previously published as pathogenic or benign to our knowledge; Variants in candidate genes are classified as variants of uncertain significance in accordance with ACMG guidelines (Richards et al., 2015)

Dr. Peter K. Rogan Lab, Western University
No classification provided (evidence only). Condition: Colon adenocarcinoma. Review status: no classification provided. Collection method: in vitro. Allele origin: not applicable. Functional consequence: skipped exon. Not counted in ClinVar's aggregate classification.

NM_017763.6(RNF43):c.253-12CT[2]

Gene: RNF43 (ring finger protein 43; minus strand). Cytogenetic location: 17q22.
Variant type: Microsatellite.
Coding change: c.253-12CT[2] on transcript NM_017763.6 (MANE Select); two copies in a row of the 2-base unit CT starting at c.253-12; the reference has four copies in a row; two copies, 4 bases deleted.
Molecular consequence: intron variant.
Genome position (GRCh38, 1-based): chr17:58,371,038-58,371,041, AGAG deleted on the plus strand (CTCT on the coding strand, the reverse complement: RNF43 is on the minus strand); deleting any 4 consecutive bases within chr17:58,371,038-58,371,046 gives the same sequence; the position shown is the placement nearest the transcript's 3' end. VCF-style (leftmost placement, unchanged base first): chr17-58371037-CAGAG-C. GRCh37 (hg19) VCF-style: chr17-56448398-CAGAG-C.
Other names: NC_000017.10:g.56448404_56448407del; c.253-12CT[2] (NM_001438822.1, NM_001305544.3, NM_001438820.1 and 1 more transcripts); c.-129-12CT[2] (NM_001305545.2, NM_001437987.1); c.253-13_253-10del (NM_017763.6).
Identifiers: ClinVar variation 3342768 (VCV003342768.3).